The following is an entry in ClinVar:

NM_001035.3(RYR2):c.5793T>G (p.Asp1931Glu)

Gene: RYR2 (ryanodine receptor 2; plus strand). Cytogenetic location: 1q43.
Variant type: single nucleotide variant.
Coding change: c.5793T>G on transcript NM_001035.3 (MANE Select); coding-DNA position 5793, T replaced by G.
Protein change: p.Asp1931Glu; replaces aspartic acid 1931 with glutamic acid.
Molecular consequence: missense variant.
Genome position (GRCh38, 1-based): chr1:237,617,363, T>G. VCF-style: chr1-237617363-T-G. GRCh37 (hg19) VCF-style: chr1-237780663-T-G.
Other names: short protein forms D1931E.
Identifiers: ClinVar variation 1039726 (VCV001039726.14), dbSNP rs372222227, ClinGen allele CA086975.
Genomic context (GRCh38, chr1:237,617,363, plus strand): 5'-GTACCTCTGTGACTGCCAGGTCCGGCACCGGATAGAAGCCATTGTAGCCTTTTCAGATGA[T>G]TTTGTGGCTAAGCTCCAAGACAATCAACGTTTCCGATACAACGAAGTCATGCAAGCCTTA-3'
Protein context (NP_001026.2, residues 1921-1941): RIEAIVAFSD[Asp1931Glu]FVAKLQDNQR

ClinVar aggregate classification (germline): Conflicting classifications of pathogenicity. Review status: criteria provided, conflicting classifications (1 of 4 stars). 3 submissions from 3 submitters: Uncertain significance (2); Likely benign (1). Last evaluated 2024-04-16.

Conditions:
Cardiomyopathy (CMYO). Also called: Cardiomyopathies. Identifiers: Orphanet 167848, MedGen C0878544, MONDO:0004994, HP:0001638. Inheritance: Various modes of inheritance.
Catecholaminergic polymorphic ventricular tachycardia (CVPT). Also called: Catecholamine-induced polymorphic ventricular tachycardia. Identifiers: Orphanet 3286, MedGen C5574922, MONDO:0017990.
Catecholaminergic polymorphic ventricular tachycardia 1. Also called: VENTRICULAR TACHYCARDIA, CATECHOLAMINERGIC POLYMORPHIC, 1, WITH OR WITHOUT ATRIAL DYSFUNCTION AND/OR DILATED CARDIOMYOPATHY; VENTRICULAR TACHYCARDIA, STRESS-INDUCED POLYMORPHIC 1; RYR2-Related Catecholaminergic Polymorphic Ventricular Tachycardia. Identifiers: Orphanet 3286, MedGen C1631597, MONDO:0011484, OMIM 604772.

Allele frequency attached by ClinVar (database versions not stated): gnomAD 0.00001; gnomAD exomes 0.00003 and 0.00005; ExAC 0.00007.
gnomAD v4.1: 41 of 1,613,848 alleles (0.0025%); highest among the groups gnomAD compares: South Asian, 0.044%; 1 homozygote.

Submissions (3):

All of Us Research Program, National Institutes of Health
Classification: Uncertain significance for Catecholaminergic polymorphic ventricular tachycardia. Last evaluated: 2024-04-16. Review status: criteria provided, single submitter. Criteria: ACMG Guidelines, 2015. Collection method: clinical testing. Allele origin: germline. Inheritance: Autosomal dominant inheritance. Observed: 1 variant allele, 1 heterozygote.
Comment: This missense variant replaces aspartic acid with glutamic acid at codon 1931 of the RYR2 protein. Computational prediction suggests that this variant may not impact protein structure and function (internally defined REVEL score threshold <= 0.5, PMID: 27666373). To our knowledge, functional studies have not been reported for this variant. This variant has not been reported in individuals affected with cardiovascular disorders in the literature. This variant has been identified in 12/248918 chromosomes in the general population by the Genome Aggregation Database (gnomAD). The available evidence is insufficient to determine the role of this variant in disease conclusively. Therefore, this variant is classified as a Variant of Uncertain Significance.

This study involves interpretation of variants in research participants for the purpose of population health screening. Participant phenotype was not available at the time of variant classification. Additional details can be found in publication PMID: 35346344, PMCID: PMC8962531

Color Diagnostics, LLC DBA Color Health
Classification: Uncertain significance for Cardiomyopathy. Last evaluated: 2024-03-07. Review status: criteria provided, single submitter. Criteria: ACMG Guidelines, 2015. Collection method: clinical testing. Allele origin: germline.
Comment: This missense variant replaces aspartic acid with glutamic acid at codon 1931 of the RYR2 protein. Computational prediction suggests that this variant may not impact protein structure and function (internally defined REVEL score threshold <= 0.5, PMID: 27666373). To our knowledge, functional studies have not been reported for this variant. This variant has not been reported in individuals affected with cardiovascular disorders in the literature. This variant has been identified in 12/248918 chromosomes in the general population by the Genome Aggregation Database (gnomAD). The available evidence is insufficient to determine the role of this variant in disease conclusively. Therefore, this variant is classified as a Variant of Uncertain Significance.

Labcorp Genetics (formerly Invitae), Labcorp
Classification: Likely benign for Catecholaminergic polymorphic ventricular tachycardia 1. Last evaluated: 2022-03-19. Review status: criteria provided, single submitter. Criteria: Invitae Variant Classification Sherloc (09022015). Collection method: clinical testing. Allele origin: germline.